The following is an entry in ClinVar:

ClinVar aggregate classification (germline): Uncertain significance. Review status: criteria provided, multiple submitters, no conflicts (2 of 4 stars). 2 submissions from 2 submitters: Uncertain significance (2). Last evaluated 2025-06-11.

Conditions:
Charcot-Marie-Tooth disease dominant intermediate B (CMTDIB). Also called: CHARCOT-MARIE-TOOTH NEUROPATHY, DOMINANT INTERMEDIATE B; Charcot-Marie-Tooth disease dominant intermediate 1; CMT DI1; Charcot-Marie-Tooth disease dominant intermediate I. Identifiers: Orphanet 100044, Orphanet 228179, MedGen C1847902, MONDO:0011674, OMIM 606482.

Allele frequency attached by ClinVar (database versions not stated): gnomAD exomes below 0.00001; TOPMed 0.00001.
gnomAD v4.1: 1 of 1,514,580 alleles (0.000066%); highest among the groups gnomAD compares: Admixed American, 0.0021%; no homozygotes.

Submissions (2):

Revvity Omics, Revvity
Classification: Uncertain significance. Last evaluated: 2025-06-11. Review status: criteria provided, single submitter. Criteria: ACMG Guidelines, 2015. Collection method: clinical testing. Allele origin: germline.

Labcorp Genetics (formerly Invitae), Labcorp
Classification: Uncertain significance for Charcot-Marie-Tooth disease dominant intermediate B. Last evaluated: 2025-06-06. Review status: criteria provided, single submitter. Criteria: Invitae Variant Classification Sherloc (09022015). Collection method: clinical testing. Allele origin: germline.
Comment: This sequence change replaces serine, which is neutral and polar, with threonine, which is neutral and polar, at codon 26 of the DNM2 protein (p.Ser26Thr). This variant is not present in population databases (gnomAD no frequency). This variant has not been reported in the literature in individuals affected with DNM2-related conditions. ClinVar contains an entry for this variant (Variation ID: 2141517). Invitae Evidence Modeling of protein sequence and biophysical properties (such as structural, functional, and spatial information, amino acid conservation, physicochemical variation, residue mobility, and thermodynamic stability) indicates that this missense variant is not expected to disrupt DNM2 protein function with a negative predictive value of 95%. In summary, the available evidence is currently insufficient to determine the role of this variant in disease. Therefore, it has been classified as a Variant of Uncertain Significance.

NM_001005361.3(DNM2):c.77G>C (p.Ser26Thr)

Genes: DNM2 (dynamin 2; plus strand), LOC130063529 (ATAC-STARR-seq lymphoblastoid silent region 10090; plus strand). Cytogenetic location: 19p13.2.
Variant type: single nucleotide variant.
Coding change: c.77G>C on transcript NM_001005361.3 (MANE Select); coding-DNA position 77, G replaced by C.
Protein change: p.Ser26Thr; replaces serine 26 with threonine.
Molecular consequence: missense variant.
Genome position (GRCh38, 1-based): chr19:10,718,319, G>C. VCF-style: chr19-10718319-G-C. GRCh37 (hg19) VCF-style: chr19-10828995-G-C.
Other names: c.77G>C, p.Ser26Thr (NM_001005360.3, NM_001005362.3, NM_001190716.2 and 1 more transcripts); short protein forms S26T.
Identifiers: ClinVar variation 2141517 (VCV002141517.5), dbSNP rs2068819966, ClinGen allele CA404046613.